The following is an entry in ClinVar:

ClinVar aggregate classification (germline): Likely benign. Review status: criteria provided, single submitter (1 of 4 stars). 2 submissions from 2 submitters: Likely benign (1). 1 of the submissions does not count toward it. Last evaluated 2025-10-21.

Conditions:
Ehlers-Danlos syndrome, spondylodysplastic type, 3. Also called: Ehlers-Danlos syndrome, spondylocheirodysplastic type. Identifiers: Orphanet 157965, MedGen C2676510, MONDO:0012873, OMIM 612350.
SLC39A13-related disorder. Also called: SLC39A13-related condition.

Allele frequency attached by ClinVar (database versions not stated): gnomAD exomes 0.00001; TOPMed 0.00002.

Submissions (2):

Labcorp Genetics (formerly Invitae), Labcorp
Classification: Likely benign for Ehlers-Danlos syndrome, spondylodysplastic type, 3. Last evaluated: 2025-10-21. Review status: criteria provided, single submitter. Criteria: Invitae Variant Classification Sherloc (09022015). Collection method: clinical testing. Allele origin: germline.

PreventionGenetics, part of Exact Sciences
Classification: Likely benign for SLC39A13-related condition. Last evaluated: 2019-06-03. Review status: no assertion criteria provided. Collection method: clinical testing. Allele origin: germline. Not counted in ClinVar's aggregate classification.
Comment: This variant is classified as likely benign based on ACMG/AMP sequence variant interpretation guidelines (Richards et al. 2015 PMID: 25741868, with internal and published modifications).

NM_001128225.3(SLC39A13):c.1101G>A (p.Ser367=)

Gene: SLC39A13 (solute carrier family 39 member 13; plus strand). Cytogenetic location: 11p11.2.
Variant type: single nucleotide variant.
Coding change: c.1101G>A on transcript NM_001128225.3 (MANE Select); coding-DNA position 1101, G replaced by A.
Protein change: p.Ser367=; no amino-acid change (serine 367 retained).
Molecular consequence: synonymous variant. On other transcripts: 3 prime UTR variant (1), non-coding transcript variant (1).
Genome position (GRCh38, 1-based): chr11:47,415,348, G>A. VCF-style: chr11-47415348-G-A. GRCh37 (hg19) VCF-style: chr11-47436899-G-A.
Other names: c.1080G>A (NM_152264.4); c.*98G>A (NM_001330245.2); c.1080G>A, p.Ser360= (NM_152264.5).
Identifiers: ClinVar variation 1581008 (VCV001581008.6), dbSNP rs1404886730, ClinGen allele CA474210490.